The following is an entry in ClinVar:

NM_080552.3(SLC32A1):c.272C>G (p.Ala91Gly)

Gene: SLC32A1 (solute carrier family 32 member 1; plus strand). Cytogenetic location: 20q11.23.
Variant type: single nucleotide variant.
Coding change: c.272C>G on transcript NM_080552.3 (MANE Select); coding-DNA position 272, C replaced by G.
Protein change: p.Ala91Gly; replaces alanine 91 with glycine.
Molecular consequence: missense variant.
Genome position (GRCh38, 1-based): chr20:38,724,996, C>G. VCF-style: chr20-38724996-C-G. GRCh37 (hg19) VCF-style: chr20-37353639-C-G.
Other names: short protein forms A91G.
Identifiers: ClinVar variation 3365638 (VCV003365638.1).

ClinVar aggregate classification (germline): Likely pathogenic (1 of 4 stars; one submission).

Submission:

GeneDx
Classification: Likely pathogenic. Last evaluated: 2024-04-11. Review status: criteria provided, single submitter. Criteria: GeneDx Variant Classification Process June 2021. Collection method: clinical testing. Allele origin: germline. Affected: yes.
Comment: Not observed at significant frequency in large population cohorts (gnomAD); In silico analysis supports that this missense variant does not alter protein structure/function; Has not been previously published as pathogenic or benign to our knowledge; This variant is associated with the following publications: (PMID: 36073542)